The following is an entry in ClinVar:

ClinVar aggregate classification (germline): Likely benign. Review status: criteria provided, multiple submitters, no conflicts (2 of 4 stars). 4 submissions from 4 submitters: Likely benign (4). Last evaluated 2026-03-10.

Conditions:
DES-related disorder. Also called: DES-related condition.
Cardiovascular phenotype. Identifiers: MedGen CN230736.
Desmin-related myofibrillar myopathy (MFM1). Also called: MYOFIBRILLAR MYOPATHY WITH ARRHYTHMOGENIC RIGHT VENTRICULAR CARDIOMYOPATHY; DESMIN-RELATED MYOPATHY WITH ARRHYTHMOGENIC RIGHT VENTRICULAR CARDIOMYOPATHY; Myofibrillar myopathy 1; Desminopathy; Desmin related myopathy (former name); Desmin storage myopathy (former name). Identifiers: Orphanet 363543, Orphanet 98909, MedGen C1832370, MONDO:0011076, OMIM 601419.

Allele frequency attached by ClinVar (database versions not stated): TOPMed 0.00013.
gnomAD v4.1: 30 of 1,603,612 alleles (0.0019%); highest among the groups gnomAD compares: African/African-American, 0.039%; no homozygotes.

Submissions (4):

PreventionGenetics, part of Exact Sciences
Classification: Likely benign for DES-related condition. Last evaluated: 2026-03-10. Review status: criteria provided, single submitter. Criteria: ACMG Guidelines, 2015. Collection method: clinical testing. Allele origin: germline.
Comment: This variant is classified as likely benign based on ACMG/AMP sequence variant interpretation guidelines (Richards et al. 2015 PMID: 25741868, with internal and published modifications).

Labcorp Genetics (formerly Invitae), Labcorp
Classification: Likely benign for Desmin-related myofibrillar myopathy. Last evaluated: 2025-12-06. Review status: criteria provided, single submitter. Criteria: Invitae Variant Classification Sherloc (09022015). Collection method: clinical testing. Allele origin: germline.

Ambry Genetics
Classification: Likely benign for Cardiovascular phenotype. Last evaluated: 2023-02-05. Review status: criteria provided, single submitter. Criteria: Ambry Variant Classification Scheme 2023. Collection method: clinical testing. Allele origin: germline.

Laboratory for Molecular Medicine, Mass General Brigham Personalized Medicine
Classification: Likely benign. Last evaluated: 2010-04-09. Review status: criteria provided, single submitter. Criteria: LMM Criteria. Collection method: clinical testing. Allele origin: germline. Observed: 1 variant allele.

NM_001927.4(DES):c.114G>T (p.Ala38=)

Gene: DES (desmin; plus strand). Cytogenetic location: 2q35.
Variant type: single nucleotide variant.
Coding change: c.114G>T on transcript NM_001927.4 (MANE Select); coding-DNA position 114, G replaced by T.
Protein change: p.Ala38=; no amino-acid change (alanine 38 retained).
Molecular consequence: synonymous variant.
Genome position (GRCh38, 1-based): chr2:219,418,576, G>T. VCF-style: chr2-219418576-G-T. GRCh37 (hg19) VCF-style: chr2-220283298-G-T.
Identifiers: ClinVar variation 44247 (VCV000044247.18), dbSNP rs368901105, ClinGen allele CA133814.
Genomic context (GRCh38, chr2:219,418,576, plus strand): 5'-CGGCGGGGCCCCGGGCTTCCCACTCGGCTCCCCGCTGAGTTCGCCCGTGTTCCCGCGGGC[G>T]GGTTTCGGCTCTAAGGGCTCCTCCAGCTCGGTGACGTCCCGCGTGTACCAGGTGTCGCGC-3'
Protein context (NP_001918.3, residues 28-48): SPLSSPVFPR[Ala38=]GFGSKGSSSS